The following is an entry in ClinVar:

NM_001145715.3(KPNA7):c.382C>G (p.Pro128Ala)

Gene: KPNA7 (karyopherin subunit alpha 7; minus strand). Cytogenetic location: 7q22.1.
Variant type: single nucleotide variant.
Coding change: c.382C>G on transcript NM_001145715.3 (MANE Select); coding-DNA position 382, C replaced by G.
Protein change: p.Pro128Ala; replaces proline 128 with alanine.
Molecular consequence: missense variant.
Genome position (GRCh38, 1-based): chr7:99,195,241, G>C on the plus strand (C>G on the coding strand, the complement: KPNA7 is on the minus strand). VCF-style: chr7-99195241-G-C. GRCh37 (hg19) VCF-style: chr7-98792864-G-C.
Other names: short protein forms P128A.
Identifiers: ClinVar variation 2133269 (VCV002133269.4), dbSNP rs756987424, ClinGen allele CA368420676.

ClinVar aggregate classification (germline): Uncertain significance (1 of 4 stars; one submission).

gnomAD v4.1: 1 of 1,551,602 alleles (0.000064%); highest among the groups gnomAD compares: African/African-American, 0.0014%; no homozygotes.

Submission:

Labcorp Genetics (formerly Invitae), Labcorp
Classification: Uncertain significance. Last evaluated: 2022-06-20. Review status: criteria provided, single submitter. Criteria: Invitae Variant Classification Sherloc (09022015). Collection method: clinical testing. Allele origin: germline.
Comment: In summary, the available evidence is currently insufficient to determine the role of this variant in disease. Therefore, it has been classified as a Variant of Uncertain Significance. Algorithms developed to predict the effect of sequence changes on RNA splicing suggest that this variant may disrupt the consensus splice site. Algorithms developed to predict the effect of missense changes on protein structure and function are either unavailable or do not agree on the potential impact of this missense change (SIFT: "Tolerated"; PolyPhen-2: "Probably Damaging"; Align-GVGD: "Class C0"). This variant has not been reported in the literature in individuals affected with KPNA7-related conditions. This variant is not present in population databases (gnomAD no frequency). This sequence change replaces proline, which is neutral and non-polar, with alanine, which is neutral and non-polar, at codon 128 of the KPNA7 protein (p.Pro128Ala).